The following is an entry in ClinVar:

NM_000093.5(COL5A1):c.2485-199G>A

Gene: COL5A1 (collagen type V alpha 1 chain; plus strand). Cytogenetic location: 9q34.3.
Variant type: single nucleotide variant.
Coding change: c.2485-199G>A on transcript NM_000093.5 (MANE Select); 199 bases into the intron before coding-DNA position 2485, G replaced by A.
Molecular consequence: intron variant.
Genome position (GRCh38, 1-based): chr9:134,784,790, G>A. VCF-style: chr9-134784790-G-A. GRCh37 (hg19) VCF-style: chr9-137676636-G-A.
Other names: c.2485-199G>A (NM_001278074.1).
Identifiers: ClinVar variation 675969 (VCV000675969.1), dbSNP rs141771518, ClinGen allele CA13077985.
Genomic context (GRCh38, chr9:134,784,790, plus strand): 5'-GAAAATAAATAGCAGGCAACCTCGGTGCAGAGACCAGCTTCCGCAGAGCCCGGGAGCCCG[G>A]GAATTCGCGGTACAATGCGCTCGCTTTGTCAGTGGCTCCGGGAGCAGCTCCGTGGTCTGA-3'

ClinVar aggregate classification (germline): Likely benign (1 of 4 stars; one submission).

Allele frequency attached by ClinVar (database versions not stated): gnomAD 0.00656; TOPMed 0.00662; 1000 Genomes Project 0.00938; 1000 Genomes Project 30x 0.01062.
gnomAD v4.1: 1,071 of 152,378 alleles (0.7%); highest among the groups gnomAD compares: South Asian, 2.4%; 10 homozygotes.

Submission:

GeneDx
Classification: Likely benign. Last evaluated: 2018-06-20. Review status: criteria provided, single submitter. Criteria: GeneDx Variant Classification (06012015). Collection method: clinical testing. Allele origin: germline. Affected: yes.
Comment: This variant is considered likely benign or benign based on one or more of the following criteria: it is a conservative change, it occurs at a poorly conserved position in the protein, it is predicted to be benign by multiple in silico algorithms, and/or has population frequency not consistent with disease.